The following is an entry in ClinVar:

ClinVar aggregate classification (germline): Benign/Likely benign. Review status: criteria provided, multiple submitters, no conflicts (2 of 4 stars). 4 submissions from 4 submitters: Benign (1); Likely benign (3). Last evaluated 2025-12-15.

Conditions:
Genitopatellar syndrome (GTPTS). Also called: ABSENT PATELLAE, SCROTAL HYPOPLASIA, RENAL ANOMALIES, FACIAL DYSMORPHISM, AND MENTAL RETARDATION; Genitopatellar syndrome (GPS). Identifiers: Orphanet 85201, MedGen C1853566, MONDO:0011640, OMIM 606170.

Allele frequency attached by ClinVar (database versions not stated): gnomAD 0.00015 and 0.00013; 1000 Genomes Project 30x 0.00016; TOPMed 0.00017; 1000 Genomes Project 0.00020; ESP Exome Variant Server 0.00023; gnomAD exomes 0.00002 and 0.00003; ExAC 0.00003.
gnomAD v4.1: 55 of 1,614,138 alleles (0.0034%); highest among the groups gnomAD compares: African/African-American, 0.044%; 1 homozygote.

Submissions (4):

Labcorp Genetics (formerly Invitae), Labcorp
Classification: Likely benign for Genitopatellar syndrome. Last evaluated: 2025-12-15. Review status: criteria provided, single submitter. Criteria: Invitae Variant Classification Sherloc (09022015). Collection method: clinical testing. Allele origin: germline.

CeGaT Center for Human Genetics Tuebingen
Classification: Likely benign. Last evaluated: 2024-06-01. Review status: criteria provided, single submitter. Criteria: CeGaT Center For Human Genetics Tuebingen Variant Classification Criteria Version 2. Collection method: clinical testing. Allele origin: germline. Affected: yes. Observed: 1 variant allele.
Comment: KAT6B: BP4, BP7

GeneDx
Classification: Benign. Last evaluated: 2020-10-19. Review status: criteria provided, single submitter. Criteria: GeneDx Variant Classification Process June 2021. Collection method: clinical testing. Allele origin: germline. Affected: yes.

Breakthrough Genomics
Classification: Likely benign. Review status: criteria provided, single submitter. Criteria: ACMG Guidelines, 2015. Collection method: not provided. Allele origin: germline. Inheritance: Autosomal dominant inheritance. Affected: yes.

NM_012330.4(KAT6B):c.1689G>A (p.Pro563=)

Gene: KAT6B (lysine acetyltransferase 6B; plus strand). Cytogenetic location: 10q22.2.
Variant type: single nucleotide variant.
Coding change: c.1689G>A on transcript NM_012330.4 (MANE Select); coding-DNA position 1689, G replaced by A.
Protein change: p.Pro563=; no amino-acid change (proline 563 retained).
Molecular consequence: synonymous variant. On other transcripts: intron variant (13).
Genome position (GRCh38, 1-based): chr10:74,976,026, G>A. VCF-style: chr10-74976026-G-A. GRCh37 (hg19) VCF-style: chr10-76735784-G-A.
Other names: c.1689G>A, p.Pro563= (NM_001370136.1, NM_001370137.1); c.1117+572G>A (NM_001370139.1, NM_001370140.1, NM_001370141.1 and 3 more transcripts); c.1444+245G>A (NM_001370138.1, NM_001256468.2); c.846+6251G>A (NM_001370133.1); c.193-3198G>A (NM_001370134.1); c.929-1290G>A (NM_001370143.1, NM_001370144.1); c.193-12993G>A (NM_001370135.1).
Identifiers: ClinVar variation 1279366 (VCV001279366.28), dbSNP rs139737811, ClinGen allele CA5564457.